The following is an entry in ClinVar:

ClinVar aggregate classification (germline): Uncertain significance. Review status: criteria provided, multiple submitters, no conflicts (2 of 4 stars). 2 submissions from 2 submitters: Uncertain significance (2). Last evaluated 2023-11-02.

Conditions:
Inborn genetic diseases. Identifiers: MedGen C0950123, MeSH D030342.

Allele frequency attached by ClinVar (database versions not stated): gnomAD exomes below 0.00001; TOPMed below 0.00001; gnomAD 0.00001.
gnomAD v4.1: 2 of 1,613,848 alleles (0.00012%); highest among the groups gnomAD compares: African/African-American, 0.0013%; no homozygotes.

Submissions (2):

Ambry Genetics
Classification: Uncertain significance for Inborn genetic diseases. Last evaluated: 2023-11-02. Review status: criteria provided, single submitter. Criteria: Ambry Variant Classification Scheme 2023. Collection method: clinical testing. Allele origin: germline.
Comment: The p.V27I variant (also known as c.79G>A), located in coding exon 2 of the MDH2 gene, results from a G to A substitution at nucleotide position 79. The valine at codon 27 is replaced by isoleucine, an amino acid with highly similar properties. This amino acid position is conserved. In addition, this alteration is predicted to be tolerated by in silico analysis. Since supporting evidence is limited at this time, the clinical significance of this alteration remains unclear.

Labcorp Genetics (formerly Invitae), Labcorp
Classification: Uncertain significance. Last evaluated: 2022-04-30. Review status: criteria provided, single submitter. Criteria: Invitae Variant Classification Sherloc (09022015). Collection method: clinical testing. Allele origin: germline.
Comment: This sequence change replaces valine, which is neutral and non-polar, with isoleucine, which is neutral and non-polar, at codon 27 of the MDH2 protein (p.Val27Ile). This variant is not present in population databases (gnomAD no frequency). This variant has not been reported in the literature in individuals affected with MDH2-related conditions. Algorithms developed to predict the effect of missense changes on protein structure and function are either unavailable or do not agree on the potential impact of this missense change (SIFT: "Deleterious"; PolyPhen-2: "Benign"; Align-GVGD: "Class C25"). In summary, the available evidence is currently insufficient to determine the role of this variant in disease. Therefore, it has been classified as a Variant of Uncertain Significance.

NM_005918.4(MDH2):c.79G>A (p.Val27Ile)

Gene: MDH2 (malate dehydrogenase 2; plus strand). Cytogenetic location: 7q11.23.
Variant type: single nucleotide variant.
Coding change: c.79G>A on transcript NM_005918.4 (MANE Select); coding-DNA position 79, G replaced by A.
Protein change: p.Val27Ile; replaces valine 27 with isoleucine.
Molecular consequence: missense variant. On other transcripts: intron variant (1).
Genome position (GRCh38, 1-based): chr7:76,054,842, G>A. VCF-style: chr7-76054842-G-A. GRCh37 (hg19) VCF-style: chr7-75684160-G-A.
Other names: c.79G>A, p.Val27Ile (NM_001282403.2); c.-86-2568G>A (NM_001282404.2); short protein forms V27I.
Identifiers: ClinVar variation 1761573 (VCV001761573.7), dbSNP rs1404425373, ClinGen allele CA367762060.
Genomic context (GRCh38, chr7:76,054,842, plus strand): 5'-TTCATGCTCATTTCCTCCTAAGAGTCCTTTCTCTGTGCCTCTTTTTAGAACAATGCTAAA[G>A]TAGCTGTGCTAGGGGCCTCTGGAGGCATCGGGCAGCCACTTTCACTTCTCCTGAAGAACA-3'
Protein context (NP_005909.2, residues 17-37): FSTSAQNNAK[Val27Ile]AVLGASGGIG